The following is an entry in ClinVar:

NM_024675.4(PALB2):c.3067C>G (p.Gln1023Glu)

Gene: PALB2 (partner and localizer of BRCA2; minus strand). Cytogenetic location: 16p12.2.
Variant type: single nucleotide variant.
Coding change: c.3067C>G on transcript NM_024675.4 (MANE Select); coding-DNA position 3067, C replaced by G.
Protein change: p.Gln1023Glu; replaces glutamine 1023 with glutamic acid.
Molecular consequence: missense variant. On other transcripts: intron variant (1).
Genome position (GRCh38, 1-based): chr16:23,621,408, G>C on the plus strand (C>G on the coding strand, the complement: PALB2 is on the minus strand). VCF-style: chr16-23621408-G-C. GRCh37 (hg19) VCF-style: chr16-23632729-G-C.
Other names: c.3007C>G, p.Gln1003Glu (NM_001407296.1); c.2995C>G, p.Gln999Glu (NM_001407297.1); c.2905C>G, p.Gln969Glu (NM_001407298.1, NM_001407302.1); c.3067C>G, p.Gln1023Glu (NM_001407299.1, NM_001407301.1); c.2182C>G, p.Gln728Glu (NM_001407304.1, NM_001407305.1, NM_001407306.1 and 4 more transcripts); c.2020C>G, p.Gln674Glu (NM_001407307.1); c.1279C>G, p.Gln427Glu (NM_001407312.1, NM_001407313.1); c.601C>G, p.Gln201Glu (NM_001407314.1); and 1 more; short protein forms Q427E, Q969E, Q201E, Q999E, Q1003E, Q1023E, Q674E, Q728E.
Identifiers: ClinVar variation 4130336 (VCV004130336.2).

ClinVar aggregate classification (germline): Conflicting classifications of pathogenicity. Review status: criteria provided, conflicting classifications (1 of 4 stars). 2 submissions from 2 submitters: Uncertain significance (1); Likely benign (1). Last evaluated 2025-08-13.

Conditions:
Familial cancer of breast. Also called: BREAST CANCER, FAMILIAL; Hereditary breast cancer; hereditary breast carcinoma. Identifiers: Orphanet 227535, MedGen C0346153, MONDO:0016419, OMIM 114480. Disease mechanism: loss of function.
Hereditary cancer-predisposing syndrome. Also called: Hereditary neoplastic syndrome; Neoplastic Syndromes, Hereditary; Tumor predisposition; Hereditary Cancer Syndrome. Identifiers: Orphanet 140162, MedGen C0027672, MeSH D009386, MONDO:0015356.

Submissions (2):

Labcorp Genetics (formerly Invitae), Labcorp
Classification: Uncertain significance for Familial cancer of breast. Last evaluated: 2025-08-13. Review status: criteria provided, single submitter. Criteria: Invitae Variant Classification Sherloc (09022015). Collection method: clinical testing. Allele origin: germline.
Comment: This sequence change replaces glutamine, which is neutral and polar, with glutamic acid, which is acidic and polar, at codon 1023 of the PALB2 protein (p.Gln1023Glu). This variant is not present in population databases (gnomAD no frequency). This variant has not been reported in the literature in individuals affected with PALB2-related conditions. Invitae Evidence Modeling of protein sequence and biophysical properties (such as structural, functional, and spatial information, amino acid conservation, physicochemical variation, residue mobility, and thermodynamic stability) indicates that this missense variant is not expected to disrupt PALB2 protein function with a negative predictive value of 80%. In summary, the available evidence is currently insufficient to determine the role of this variant in disease. Therefore, it has been classified as a Variant of Uncertain Significance.

Ambry Genetics
Classification: Likely benign for Hereditary cancer-predisposing syndrome. Last evaluated: 2025-08-06. Review status: criteria provided, single submitter. Criteria: Ambry Variant Classification Scheme 2023. Collection method: clinical testing. Allele origin: germline.